The following is an entry in ClinVar:

ClinVar aggregate classification (germline): Uncertain significance. Review status: criteria provided, multiple submitters, no conflicts (2 of 4 stars). 2 submissions from 2 submitters: Uncertain significance (2). Last evaluated 2025-03-13.

Conditions:
Inborn genetic diseases. Identifiers: MedGen C0950123, MeSH D030342.

gnomAD v4.1: 18 of 1,609,524 alleles (0.0011%); highest among the groups gnomAD compares: Non-Finnish European, 0.0014%; no homozygotes.

Submissions (2):

Labcorp Genetics (formerly Invitae), Labcorp
Classification: Uncertain significance. Last evaluated: 2025-03-13. Review status: criteria provided, single submitter. Criteria: Invitae Variant Classification Sherloc (09022015). Collection method: clinical testing. Allele origin: germline.
Comment: This sequence change replaces glycine, which is neutral and non-polar, with arginine, which is basic and polar, at codon 21 of the USB1 protein (p.Gly21Arg). This variant is present in population databases (no rsID available, gnomAD 0.001%). This variant has not been reported in the literature in individuals affected with USB1-related conditions. ClinVar contains an entry for this variant (Variation ID: 2170559). Invitae Evidence Modeling of protein sequence and biophysical properties (such as structural, functional, and spatial information, amino acid conservation, physicochemical variation, residue mobility, and thermodynamic stability) indicates that this missense variant is not expected to disrupt USB1 protein function with a negative predictive value of 80%. In summary, the available evidence is currently insufficient to determine the role of this variant in disease. Therefore, it has been classified as a Variant of Uncertain Significance.

Ambry Genetics
Classification: Uncertain significance for Inborn genetic diseases. Last evaluated: 2024-12-03. Review status: criteria provided, single submitter. Criteria: Ambry Variant Classification Scheme 2023. Collection method: clinical testing. Allele origin: germline.
Comment: The p.G21R variant (also known as c.61G>C), located in coding exon 1 of the USB1 gene, results from a G to C substitution at nucleotide position 61. The glycine at codon 21 is replaced by arginine, an amino acid with dissimilar properties. This amino acid position is conserved. In addition, this alteration is predicted to be tolerated by in silico analysis. Based on the available evidence, the clinical significance of this variant remains unclear.

NM_024598.4(USB1):c.61G>C (p.Gly21Arg)

Gene: USB1 (U6 snRNA biogenesis phosphodiesterase 1; plus strand). Cytogenetic location: 16q21.
Variant type: single nucleotide variant.
Coding change: c.61G>C on transcript NM_024598.4 (MANE Select); coding-DNA position 61, G replaced by C.
Protein change: p.Gly21Arg; replaces glycine 21 with arginine.
Molecular consequence: missense variant. On other transcripts: intron variant (1).
Genome position (GRCh38, 1-based): chr16:58,001,544, G>C. VCF-style: chr16-58001544-G-C. GRCh37 (hg19) VCF-style: chr16-58035448-G-C.
Other names: c.61G>C, p.Gly21Arg (NM_001195302.2, NM_001204911.2, NM_001330569.2); c.-55-935G>C (NM_001330568.2); short protein forms G21R.
Identifiers: ClinVar variation 2170559 (VCV002170559.4), dbSNP rs778756392, ClinGen allele CA396085214.